The following is an entry in ClinVar:

ClinVar aggregate classification (germline): Uncertain significance (1 of 4 stars; one submission).

Conditions:
Hereditary hyperekplexia. Identifiers: Orphanet 3197, MedGen C4084968, MONDO:0021022.

Allele frequency attached by ClinVar (database versions not stated): gnomAD exomes below 0.00001; TOPMed below 0.00001; gnomAD 0.00001.

Submission:

Labcorp Genetics (formerly Invitae), Labcorp
Classification: Uncertain significance for Hereditary hyperekplexia. Last evaluated: 2020-11-11. Review status: criteria provided, single submitter. Criteria: Invitae Variant Classification Sherloc (09022015). Collection method: clinical testing. Allele origin: germline.
Comment: This sequence change replaces alanine with aspartic acid at codon 385 of the GLRA1 protein (p.Ala385Asp). The alanine residue is moderately conserved and there is a moderate physicochemical difference between alanine and aspartic acid. This variant is not present in population databases (ExAC no frequency). This variant has not been reported in the literature in individuals with GLRA1-related conditions. Algorithms developed to predict the effect of missense changes on protein structure and function (SIFT, PolyPhen-2, Align-GVGD) all suggest that this variant is likely to be tolerated, but these predictions have not been confirmed by published functional studies and their clinical significance is uncertain. In summary, the available evidence is currently insufficient to determine the role of this variant in disease. Therefore, it has been classified as a Variant of Uncertain Significance.

NM_000171.4(GLRA1):c.1154C>A (p.Ala385Asp)

Gene: GLRA1 (glycine receptor alpha 1; minus strand). Cytogenetic location: 5q33.1.
Variant type: single nucleotide variant.
Coding change: c.1154C>A on transcript NM_000171.4 (MANE Select); coding-DNA position 1154, C replaced by A.
Protein change: p.Ala385Asp; replaces alanine 385 with aspartic acid.
Molecular consequence: missense variant.
Genome position (GRCh38, 1-based): chr5:151,822,869, G>T on the plus strand (C>A on the coding strand, the complement: GLRA1 is on the minus strand). VCF-style: chr5-151822869-G-T. GRCh37 (hg19) VCF-style: chr5-151202430-G-T.
Other names: c.1178C>A, p.Ala393Asp (NM_001146040.2); c.905C>A, p.Ala302Asp (NM_001292000.2); short protein forms A302D, A393D, A385D.
Identifiers: ClinVar variation 861774 (VCV000861774.9), dbSNP rs1581592590, ClinGen allele CA361850190.